The following is an entry in ClinVar:

ClinVar aggregate classification (germline): Pathogenic (1 of 4 stars; one submission).

Conditions:
Werner syndrome (WRN). Identifiers: Orphanet 902, MedGen C0043119, MONDO:0010196, OMIM 277700.

Submission:

Labcorp Genetics (formerly Invitae), Labcorp
Classification: Pathogenic for Werner syndrome. Last evaluated: 2021-04-23. Review status: criteria provided, single submitter. Criteria: Invitae Variant Classification Sherloc (09022015). Collection method: clinical testing. Allele origin: germline.
Comment: For these reasons, this variant has been classified as Pathogenic. This variant has not been reported in the literature in individuals with WRN-related conditions. This variant is a gross deletion of the genomic region encompassing exon(s) 10-19 of the WRN gene. This deletion is out-of-frame, and is expected to create a premature translational stop signal and result in an absent or disrupted protein product. Loss-of-function variants in WRN are known to be pathogenic (PMID: 16673358).

Literature cited by the submitters: PubMed 16673358.

NC_000008.10:g.(?_30941205)_(30969325_?)del

Gene: WRN (WRN RecQ like helicase; plus strand). Cytogenetic location: 8p12.
Variant type: Deletion.
Identifiers: ClinVar variation 1457392 (VCV001457392.6).